The following is an entry in ClinVar:

ClinVar aggregate classification (germline): Uncertain significance (1 of 4 stars; one submission).

Submission:

Labcorp Genetics (formerly Invitae), Labcorp
Classification: Uncertain significance. Last evaluated: 2024-09-24. Review status: criteria provided, single submitter. Criteria: Invitae Variant Classification Sherloc (09022015). Collection method: clinical testing. Allele origin: germline.
Comment: This sequence change replaces glutamic acid, which is acidic and polar, with lysine, which is basic and polar, at codon 1112 of the ANKRD26 protein (p.Glu1112Lys). This variant is not present in population databases (gnomAD no frequency). This variant has not been reported in the literature in individuals affected with ANKRD26-related conditions. An algorithm developed to predict the effect of missense changes on protein structure and function outputs the following: PolyPhen-2: "Possibly Damaging". The lysine amino acid residue is found in multiple mammalian species, which suggests that this missense change does not adversely affect protein function. In summary, the available evidence is currently insufficient to determine the role of this variant in disease. Therefore, it has been classified as a Variant of Uncertain Significance.

NM_014915.3(ANKRD26):c.3334G>A (p.Glu1112Lys)

Gene: ANKRD26 (ankyrin repeat domain 26; minus strand). Cytogenetic location: 10p12.1.
Variant type: single nucleotide variant.
Coding change: c.3334G>A on transcript NM_014915.3 (MANE Select); coding-DNA position 3334, G replaced by A.
Protein change: p.Glu1112Lys; replaces glutamic acid 1112 with lysine.
Molecular consequence: missense variant.
Genome position (GRCh38, 1-based): chr10:27,035,116, C>T on the plus strand (G>A on the coding strand, the complement: ANKRD26 is on the minus strand). VCF-style: chr10-27035116-C-T. GRCh37 (hg19) VCF-style: chr10-27324045-C-T.
Other names: c.3331G>A, p.Glu1111Lys (NM_001256053.2); short protein forms E1111K, E1112K.
Identifiers: ClinVar variation 3669849 (VCV003669849.2).